The following is an entry in ClinVar:

ClinVar aggregate classification (germline): Pathogenic (1 of 4 stars; one submission).

Submission:

Labcorp Genetics (formerly Invitae), Labcorp
Classification: Pathogenic. Last evaluated: 2023-03-17. Review status: criteria provided, single submitter. Criteria: Invitae Variant Classification Sherloc (09022015). Collection method: clinical testing. Allele origin: germline.
Comment: For these reasons, this variant has been classified as Pathogenic. This variant has not been reported in the literature in individuals affected with DUOX2-related conditions. This variant is not present in population databases (gnomAD no frequency). This sequence change creates a premature translational stop signal (p.Leu29Serfs*17) in the DUOX2 gene. It is expected to result in an absent or disrupted protein product. Loss-of-function variants in DUOX2 are known to be pathogenic (PMID: 12110737, 18765513, 21565790, 24423310, 24735383).

Literature cited by the submitters: PubMed 12110737; PubMed 18765513; PubMed 21565790; PubMed 24423310; PubMed 24735383.

NM_001363711.2(DUOX2):c.84del (p.Leu29fs)

Gene: DUOX2 (dual oxidase 2; minus strand). Cytogenetic location: 15q21.1.
Variant type: Deletion.
Coding change: c.84del on transcript NM_001363711.2 (MANE Select); coding-DNA position 84, one base deleted (A; older notation c.84delA).
Protein change: p.Leu29fs; shifts the reading frame from leucine 29.
Molecular consequence: frameshift variant.
Genome position (GRCh38, 1-based): chr15:45,113,063, T deleted on the plus strand (A on the coding strand, the reverse complement: DUOX2 is on the minus strand). VCF-style (leftmost placement, unchanged base first): chr15-45113062-GT-G. GRCh37 (hg19) VCF-style: chr15-45405260-GT-G.
Other names: c.84del, p.Leu29fs (NM_014080.5); short protein forms L29fs.
Identifiers: ClinVar variation 2741028 (VCV002741028.3), dbSNP rs2504791118, ClinGen allele CA2697548965.
Genomic context (GRCh38, chr15:45,113,062, plus strand): 5'-CGTGGTGCCTCAGGTTGTTAAACCAGCCGTCATAGCGCTGCACTTCCCAGGGCAGTGAGA[GT>G]GCGTCCTGACTGCCTGTGGGCACAGAGAAGGGCCTCCTCAGCACTACGCTCCCAGCTACC-3'